The following is an entry in ClinVar:

ClinVar aggregate classification (germline): Benign. Review status: criteria provided, multiple submitters, no conflicts (2 of 4 stars). 3 submissions from 3 submitters: Benign (2). 1 of the submissions does not count toward it. Last evaluated 2019-12-31.

Conditions:
STARD9-related disorder. Also called: STARD9-related condition.

Allele frequency attached by ClinVar (database versions not stated): gnomAD exomes 0.00134 and 0.00299; ExAC 0.00412; ESP Exome Variant Server 0.01227; gnomAD 0.01282 and 0.01384; TOPMed 0.01437; 1000 Genomes Project 0.01597; 1000 Genomes Project 30x 0.01671.
gnomAD v4.1: 3,921 of 1,537,176 alleles (0.26%); highest among the groups gnomAD compares: African/African-American, 4.5%; 100 homozygotes.

Submissions (3):

Labcorp Genetics (formerly Invitae), Labcorp
Classification: Benign. Last evaluated: 2019-12-31. Review status: criteria provided, single submitter. Criteria: Invitae Variant Classification Sherloc (09022015). Collection method: clinical testing. Allele origin: germline.

Breakthrough Genomics
Classification: Benign. Review status: criteria provided, single submitter. Criteria: ACMG Guidelines, 2015. Collection method: not provided. Allele origin: germline. Inheritance: Unknown mechanism. Affected: yes.

PreventionGenetics, part of Exact Sciences
Classification: Benign for STARD9-related condition. Last evaluated: 2019-02-21. Review status: no assertion criteria provided. Collection method: clinical testing. Allele origin: germline. Not counted in ClinVar's aggregate classification.
Comment: This variant is classified as benign based on ACMG/AMP sequence variant interpretation guidelines (Richards et al. 2015 PMID: 25741868, with internal and published modifications).

NM_020759.3(STARD9):c.6309C>T (p.Ser2103=)

Gene: STARD9 (StAR related lipid transfer domain containing 9; plus strand). Cytogenetic location: 15q15.2.
Variant type: single nucleotide variant.
Coding change: c.6309C>T on transcript NM_020759.3 (MANE Select); coding-DNA position 6309, C replaced by T.
Protein change: p.Ser2103=; no amino-acid change (serine 2103 retained).
Molecular consequence: synonymous variant.
Genome position (GRCh38, 1-based): chr15:42,687,887, C>T. VCF-style: chr15-42687887-C-T. GRCh37 (hg19) VCF-style: chr15-42980085-C-T.
Identifiers: ClinVar variation 791193 (VCV000791193.7), dbSNP rs112111204, ClinGen allele CA7514445.